The following is an entry in ClinVar:

ClinVar aggregate classification (germline): Uncertain significance. Review status: criteria provided, multiple submitters, no conflicts (2 of 4 stars). 2 submissions from 2 submitters: Uncertain significance (2). Last evaluated 2024-12-18.

Allele frequency attached by ClinVar (database versions not stated): gnomAD 0.00001; gnomAD exomes 0.00002; TOPMed 0.00002; ExAC 0.00003; 1000 Genomes Project 30x 0.00016; 1000 Genomes Project 0.00020.
gnomAD v4.1: 11 of 1,612,216 alleles (0.00068%); highest among the groups gnomAD compares: Admixed American, 0.017%; no homozygotes.

Submissions (2):

Labcorp Genetics (formerly Invitae), Labcorp
Classification: Uncertain significance. Last evaluated: 2024-12-18. Review status: criteria provided, single submitter. Criteria: Invitae Variant Classification Sherloc (09022015). Collection method: clinical testing. Allele origin: germline.
Comment: This sequence change replaces serine, which is neutral and polar, with glycine, which is neutral and non-polar, at codon 916 of the ATRN protein (p.Ser916Gly). This variant is present in population databases (rs190961173, gnomAD 0.02%). This variant has not been reported in the literature in individuals affected with ATRN-related conditions. ClinVar contains an entry for this variant (Variation ID: 1916890). An algorithm developed to predict the effect of missense changes on protein structure and function (PolyPhen-2) suggests that this variant is likely to be tolerated. In summary, the available evidence is currently insufficient to determine the role of this variant in disease. Therefore, it has been classified as a Variant of Uncertain Significance.

Ambry Genetics
Classification: Uncertain significance. Last evaluated: 2023-08-28. Review status: criteria provided, single submitter. Criteria: Ambry Variant Classification Scheme 2023. Collection method: clinical testing. Allele origin: germline.

NM_139321.3(ATRN):c.2746A>G (p.Ser916Gly)

Gene: ATRN (attractin; plus strand). Cytogenetic location: 20p13.
Variant type: single nucleotide variant.
Coding change: c.2746A>G on transcript NM_139321.3 (MANE Select); coding-DNA position 2746, A replaced by G.
Protein change: p.Ser916Gly; replaces serine 916 with glycine.
Molecular consequence: missense variant.
Genome position (GRCh38, 1-based): chr20:3,582,336, A>G. VCF-style: chr20-3582336-A-G. GRCh37 (hg19) VCF-style: chr20-3562983-A-G.
Other names: c.2746A>G (NM_139321.2); c.2398A>G, p.Ser800Gly (NM_001207047.3); c.2746A>G, p.Ser916Gly (NM_001323332.2, NM_139322.4); short protein forms S800G, S916G.
Identifiers: ClinVar variation 1916890 (VCV001916890.7), dbSNP rs190961173, ClinGen allele CA9744334.